The following is an entry in ClinVar:

NM_001267550.2(TTN):c.102537C>A (p.Asn34179Lys)

Genes: TTN (titin; minus strand), TTN-AS1 (TTN antisense RNA 1; plus strand). Cytogenetic location: 2q31.2.
Variant type: single nucleotide variant.
Coding change: c.102537C>A on transcript NM_001267550.2 (MANE Select); coding-DNA position 102537, C replaced by A.
Protein change: p.Asn34179Lys; replaces asparagine 34179 with lysine.
Molecular consequence: missense variant.
Genome position (GRCh38, 1-based): chr2:178,534,078, G>T on the plus strand (C>A on the coding strand, the complement: TTN is on the minus strand). VCF-style: chr2-178534078-G-T. GRCh37 (hg19) VCF-style: chr2-179398805-G-T.
Other names: c.97614C>A, p.Asn32538Lys (NM_001256850.1); c.75342C>A, p.Asn25114Lys (NM_003319.4); c.94833C>A, p.Asn31611Lys (NM_133378.4); c.75717C>A, p.Asn25239Lys (NM_133432.3); c.75918C>A, p.Asn25306Lys (NM_133437.4); short protein forms N25114K, N25239K, N25306K, N31611K, N32538K, N34179K.
Identifiers: ClinVar variation 3756328 (VCV003756328.2).

ClinVar aggregate classification (germline): Uncertain significance (1 of 4 stars; one submission).

Conditions:
Dilated cardiomyopathy 1G (CMD1G). Identifiers: Orphanet 154, MedGen C1858763, MONDO:0011400, OMIM 604145.
Autosomal recessive limb-girdle muscular dystrophy type 2J (LGMDR10). Also called: Limb-girdle muscular dystrophy, type 2J; MUSCULAR DYSTROPHY, LIMB-GIRDLE, AUTOSOMAL RECESSIVE 10. Identifiers: Orphanet 140922, MedGen C1837342, MONDO:0012127, OMIM 608807.

Submission:

Labcorp Genetics (formerly Invitae), Labcorp
Classification: Uncertain significance for Dilated cardiomyopathy 1G; Autosomal recessive limb-girdle muscular dystrophy type 2J. Last evaluated: 2024-05-13. Review status: criteria provided, single submitter. Criteria: Invitae Variant Classification Sherloc (09022015). Collection method: clinical testing. Allele origin: germline.
Comment: This sequence change replaces asparagine, which is neutral and polar, with lysine, which is basic and polar, at codon 34179 of the TTN protein (p.Asn34179Lys). This variant is not present in population databases (gnomAD no frequency). This variant has not been reported in the literature in individuals affected with TTN-related conditions. Experimental studies and prediction algorithms are not available or were not evaluated, and the functional significance of this variant is currently unknown. This variant is located in the M band of TTN (PMID: 25589632). Non-truncating variants in this region may be relevant for neuromuscular disorders, but have not been definitively shown to cause cardiomyopathy (PMID: 23975875). In summary, the available evidence is currently insufficient to determine the role of this variant in disease. Therefore, it has been classified as a Variant of Uncertain Significance.

Literature cited by the submitters: PubMed 25589632; PubMed 23975875.